The following is an entry in ClinVar:

NC_000013.10:g.(?_52548990)_52552030del

Gene: ATP7B (ATPase copper transporting beta; minus strand).
Variant type: Deletion.
Identifiers: ClinVar variation 1073826 (VCV001073826.2).

ClinVar aggregate classification (germline): Pathogenic (1 of 4 stars; one submission).

Conditions:
Wilson disease (WND). Also called: Wilson's disease. Identifiers: Orphanet 905, MedGen C0019202, MONDO:0010200, OMIM 277900. Disease mechanism: loss of function.

Submission:

Labcorp Genetics (formerly Invitae), Labcorp
Classification: Pathogenic for Wilson disease. Last evaluated: 2020-10-21. Review status: criteria provided, single submitter. Criteria: Invitae Variant Classification Sherloc (09022015). Collection method: clinical testing. Allele origin: germline.
Comment: This variant results in the deletion of part of exon 2 (c.52-2726_366delinsT) of the ATP7B gene. RNA analysis indicates that this variant induces altered splicing and may result in an absent or disrupted protein product. This variant has been observed in individual(s) with Wilson disease (PMID: 26031236). It is also known as c.52-2671_368del3039. Studies have shown that this variant is associated with activation of cryptic splice sites, which introduces a frameshift (PMID: 26031236). The resulting mRNA is expected to undergo nonsense-mediated decay. For these reasons, this variant has been classified as Pathogenic.

Literature cited by the submitters: PubMed 26031236.